The following is an entry in ClinVar:

ClinVar aggregate classification (germline): Pathogenic (1 of 4 stars; one submission).

Conditions:
Primary ciliary dyskinesia. Also called: Ciliary dyskinesia. Identifiers: Orphanet 244, MedGen C0008780, MONDO:0016575, HP:0012265.

Submission:

Labcorp Genetics (formerly Invitae), Labcorp
Classification: Pathogenic for Primary ciliary dyskinesia. Last evaluated: 2022-05-12. Review status: criteria provided, single submitter. Criteria: Invitae Variant Classification Sherloc (09022015). Collection method: clinical testing. Allele origin: germline.
Comment: For these reasons, this variant has been classified as Pathogenic. This variant disrupts a region of the RPGR (ORF15) protein in which other variant(s) (p.Leu1130Lysfs*13) have been determined to be pathogenic (Invitae; p.Leu1130Lysfs*13). This suggests that this is a clinically significant region of the protein, and that variants that disrupt it are likely to be disease-causing. This variant has not been reported in the literature in individuals affected with RPGR (ORF15)-related conditions. This variant is not present in population databases (gnomAD no frequency). This sequence change creates a premature translational stop signal (p.Arg1056Glufs*22) in the RPGR (ORF15) gene. While this is not anticipated to result in nonsense mediated decay, it is expected to disrupt the last 97 amino acid(s) of the RPGR (ORF15) protein.

NM_001034853.2(RPGR):c.3166_3167del (p.Arg1056fs)

Gene: RPGR (retinitis pigmentosa GTPase regulator; minus strand). Cytogenetic location: Xp11.4.
Variant type: Deletion.
Coding change: c.3166_3167del on transcript NM_001034853.2 (MANE Select); coding-DNA positions 3166 to 3167, 2 bases deleted (AG; older notation c.3166_3167delAG).
Protein change: p.Arg1056fs; shifts the reading frame from arginine 1056.
Molecular consequence: frameshift variant. On other transcripts: intron variant (8).
Genome position (GRCh38, 1-based): chrX:38,285,832-38,285,833, CT deleted on the plus strand (AG on the coding strand, the reverse complement: RPGR is on the minus strand). VCF-style (leftmost placement, unchanged base first): chrX-38285831-CCT-C. GRCh37 (hg19) VCF-style: chrX-38145084-CCT-C.
Other names: c.1569+5126_1569+5127del (NM_001367249.1, NM_001367250.1); c.1902+1261_1902+1262del (NM_001367245.1); c.1386+5126_1386+5127del (NM_001367251.1); c.1719+1261_1719+1262del (NM_001367246.1); c.1572+5126_1572+5127del (NM_001367247.1); c.1905+1261_1905+1262del (NM_000328.3); c.1602+5126_1602+5127del (NM_001367248.1); short protein forms R1056fs.
Identifiers: ClinVar variation 1993236 (VCV001993236.4), dbSNP rs2519781120, ClinGen allele CA2580100806.